The following is an entry in ClinVar:

NM_000549.5(TSHB):c.162+5G>A

Gene: TSHB (thyroid stimulating hormone subunit beta; plus strand). Cytogenetic location: 1p13.2.
Variant type: single nucleotide variant.
Coding change: c.162+5G>A on transcript NM_000549.5 (MANE Select); 5 bases into the intron after coding-DNA position 162, G replaced by A.
Molecular consequence: intron variant.
Genome position (GRCh38, 1-based): chr1:115,033,529, G>A. VCF-style: chr1-115033529-G-A. GRCh37 (hg19) VCF-style: chr1-115576150-G-A.
Other names: IVS2, G-A, +5.
Identifiers: ClinVar variation 12688 (VCV000012688.7), dbSNP rs868637545, ClinGen allele CA29083587.

ClinVar aggregate classification (germline): Pathogenic. Review status: criteria provided, multiple submitters, no conflicts (2 of 4 stars). 4 submissions from 4 submitters: Pathogenic (3). 1 of the submissions does not count toward it. Last evaluated 2024-06-04.

Conditions:
Isolated thyroid-stimulating hormone deficiency. Also called: Thyroid-stimulating hormone, deficiency of; Hypothryoidism, congenital, nongoitrous 4; THYROID-STIMULATING HORMONE DEFICIENCY; THYROTROPIN DEFICIENCY, ISOLATED; TSH DEFICIENCY; PITUITARY CRETINISM. Identifiers: Orphanet 90674, MedGen C0271789, MONDO:0010139, OMIM 275100.

Allele frequency attached by ClinVar (database versions not stated): gnomAD exomes below 0.00001 and 0.00001; TOPMed below 0.00001; gnomAD 0.00001.
gnomAD v4.1: 20 of 1,611,416 alleles (0.0012%); highest among the groups gnomAD compares: Non-Finnish European, 0.0016%; no homozygotes.

Submissions (4):

Fulgent Genetics
Classification: Pathogenic for Isolated thyroid-stimulating hormone deficiency. Last evaluated: 2024-06-04. Review status: criteria provided, single submitter. Criteria: ACMG Guidelines, 2015. Collection method: clinical testing. Allele origin: germline.

GeneDx
Classification: Pathogenic. Last evaluated: 2024-02-20. Review status: criteria provided, single submitter. Criteria: GeneDx Variant Classification Process June 2021. Collection method: clinical testing. Allele origin: germline. Affected: yes.
Comment: Not observed at significant frequency in large population cohorts (gnomAD); This variant is associated with the following publications: (PMID: 25525159, 34426522, 25905193, 11788671, 34780050)

Labcorp Genetics (formerly Invitae), Labcorp
Classification: Pathogenic. Last evaluated: 2023-08-31. Review status: criteria provided, single submitter. Criteria: Invitae Variant Classification Sherloc (09022015). Collection method: clinical testing. Allele origin: germline.
Comment: This variant has been observed in individuals with congenital hypothyroidism (PMID: 11788671, 15292359, 34780050). It has also been observed to segregate with disease in related individuals. This variant is present in population databases (no rsID available, gnomAD 0.002%). This sequence change falls in intron 2 of the TSHB gene. It does not directly change the encoded amino acid sequence of the TSHB protein. RNA analysis indicates that this variant induces altered splicing and is likely to result in the loss of the initiator methionine. ClinVar contains an entry for this variant (Variation ID: 12688). For these reasons, this variant has been classified as Pathogenic. Variants that disrupt the consensus splice site are a relatively common cause of aberrant splicing (PMID: 17576681, 9536098). Studies have shown that this variant results in skipping of exon 2, and is expected to result in the loss of the initiator methionine (PMID: 11788671).

OMIM
Classification: Pathogenic for HYPOTHYROIDISM, CONGENITAL, NONGOITROUS, 4. Last evaluated: 2004-08-01. Review status: no assertion criteria provided. Collection method: literature only. Allele origin: germline. Not counted in ClinVar's aggregate classification.

Literature cited by the submitters: PubMed 11788671 (cited by Labcorp Genetics (formerly Invitae), Labcorp and OMIM); PubMed 15292359 (cited by Labcorp Genetics (formerly Invitae), Labcorp and OMIM); PubMed 34780050 (cited by Labcorp Genetics (formerly Invitae), Labcorp); PubMed 17576681 (cited by Labcorp Genetics (formerly Invitae), Labcorp); PubMed 9536098 (cited by Labcorp Genetics (formerly Invitae), Labcorp).